The following is an entry in ClinVar:

NM_212550.5(BLOC1S3):c.609G>A (p.Ter203=)

Gene: BLOC1S3 (biogenesis of lysosomal organelles complex 1 subunit 3; plus strand). Cytogenetic location: 19q13.32.
Variant type: single nucleotide variant.
Coding change: c.609G>A on transcript NM_212550.5 (MANE Select); coding-DNA position 609, G replaced by A.
Protein change: p.Ter203=.
Molecular consequence: synonymous variant.
Genome position (GRCh38, 1-based): chr19:45,179,905, G>A. VCF-style: chr19-45179905-G-A. GRCh37 (hg19) VCF-style: chr19-45683163-G-A.
Other names: p.*203=.
Identifiers: ClinVar variation 195447 (VCV000195447.18), dbSNP rs142688123, ClinGen allele CA201759.

ClinVar aggregate classification (germline): Benign/Likely benign. Review status: criteria provided, multiple submitters, no conflicts (2 of 4 stars). 6 submissions from 6 submitters: Benign (5); Likely benign (1). Last evaluated 2026-02-02.

Conditions:
BLOC1S3-related disorder. Also called: BLOC1S3-related condition.

Allele frequency attached by ClinVar (database versions not stated): ESP Exome Variant Server 0.00278; gnomAD 0.00310 and 0.00322; TOPMed 0.00340; gnomAD exomes 0.00042 and 0.00077; ExAC 0.00098; 1000 Genomes Project 30x 0.00203; 1000 Genomes Project 0.00240.
gnomAD v4.1: 1,101 of 1,607,728 alleles (0.068%); highest among the groups gnomAD compares: African/African-American, 1.2%; 6 homozygotes.

Submissions (6):

PreventionGenetics, part of Exact Sciences
Classification: Benign for BLOC1S3-related condition. Last evaluated: 2026-02-02. Review status: criteria provided, single submitter. Criteria: ACMG Guidelines, 2015. Collection method: clinical testing. Allele origin: germline.
Comment: This variant is classified as benign based on ACMG/AMP sequence variant interpretation guidelines (Richards et al. 2015 PMID: 25741868, with internal and published modifications).

Labcorp Genetics (formerly Invitae), Labcorp
Classification: Benign. Last evaluated: 2026-01-31. Review status: criteria provided, single submitter. Criteria: Invitae Variant Classification Sherloc (09022015). Collection method: clinical testing. Allele origin: germline.

Mayo Clinic Laboratories, Mayo Clinic
Classification: Benign. Last evaluated: 2025-10-10. Review status: criteria provided, single submitter. Criteria: ACMG Guidelines, 2015. Collection method: clinical testing. Allele origin: germline. Observed: 2 variant alleles.
Comment: BP4, BP7

Blueprint Genetics
Classification: Likely benign. Last evaluated: 2024-09-24. Review status: criteria provided, single submitter. Criteria: ACMG Guidelines, 2015. Collection method: clinical testing. Allele origin: germline.

Eurofins Ntd Llc (ga)
Classification: Benign. Last evaluated: 2015-02-24. Review status: criteria provided, single submitter. Criteria: EGL Classification Definitions 2015. Collection method: clinical testing. Allele origin: germline. Observed: 1 variant allele, 1 heterozygote.

Breakthrough Genomics
Classification: Benign. Review status: criteria provided, single submitter. Criteria: ACMG Guidelines, 2015. Collection method: not provided. Allele origin: germline. Inheritance: Autosomal recessive inheritance. Affected: yes.